The following is an entry in ClinVar:

ClinVar aggregate classification (germline): Uncertain significance. Review status: criteria provided, multiple submitters, no conflicts (2 of 4 stars). 3 submissions from 3 submitters: Uncertain significance (3). Last evaluated 2025-10-22.

Conditions:
RYR1-related disorder. Also called: RYR1-related disorders; RYR1-related condition. Identifiers: MedGen CN239331.
Malignant hyperthermia, susceptibility to, 1 (MHS1). Also called: RYR1-Related Malignant Hyperthermia Susceptibility; Malignant hyperthermia suceptibility 1; Anesthesia related hyperthermia; Malignant hyperpyrexia; Fulminating hyperpyrexia; Pharmacogenic myopathy. Identifiers: Orphanet 423, MedGen C2930980, MONDO:0007783, OMIM 145600.

Allele frequency attached by ClinVar (database versions not stated): gnomAD exomes 0.00001; gnomAD 0.00002; TOPMed 0.00003.
gnomAD v4.1: 17 of 1,608,698 alleles (0.0011%); highest among the groups gnomAD compares: Non-Finnish European, 0.0014%; no homozygotes.

Submissions (3):

Labcorp Genetics (formerly Invitae), Labcorp
Classification: Uncertain significance for RYR1-related disorder. Last evaluated: 2025-10-22. Review status: criteria provided, single submitter. Criteria: Invitae Variant Classification Sherloc (09022015). Collection method: clinical testing. Allele origin: germline.
Comment: This sequence change replaces glutamic acid, which is acidic and polar, with glutamine, which is neutral and polar, at codon 3682 of the RYR1 protein (p.Glu3682Gln). This variant is present in population databases (no rsID available, gnomAD 0.002%). This variant has not been reported in the literature in individuals affected with RYR1-related conditions. ClinVar contains an entry for this variant (Variation ID: 1388036). Invitae Evidence Modeling of protein sequence and biophysical properties (such as structural, functional, and spatial information, amino acid conservation, physicochemical variation, residue mobility, and thermodynamic stability) indicates that this missense variant is not expected to disrupt RYR1 protein function with a negative predictive value of 80%. In summary, the available evidence is currently insufficient to determine the role of this variant in disease. Therefore, it has been classified as a Variant of Uncertain Significance.

Color Diagnostics, LLC DBA Color Health
Classification: Uncertain significance for Malignant hyperthermia, susceptibility to, 1. Last evaluated: 2025-07-17. Review status: criteria provided, single submitter. Criteria: ACMG Guidelines, 2015. Collection method: clinical testing. Allele origin: germline.
Comment: This missense variant replaces glutamic acid with glutamine at codon 3682 of the RYR1 protein. Computational prediction suggests that this variant may not impact protein structure and function. To our knowledge, functional studies have not been reported for this variant. This variant has not been reported in individuals affected with RYR1-related disorders in the literature. This variant has been identified in 2/237250 chromosomes in the general population by the Genome Aggregation Database (gnomAD). The available evidence is insufficient to determine the role of this variant in disease conclusively. Therefore, this variant is classified as a Variant of Uncertain Significance.

All of Us Research Program, National Institutes of Health
Classification: Uncertain significance for Malignant hyperthermia, susceptibility to, 1. Last evaluated: 2023-05-08. Review status: criteria provided, single submitter. Criteria: ACMG Guidelines, 2015. Collection method: clinical testing. Allele origin: germline. Inheritance: Autosomal dominant inheritance. Observed: 2 variant alleles, 2 heterozygotes.
Comment: This missense variant replaces glutamic acid with glutamine at codon 3682 of the RYR1 protein. Computational prediction suggests that this variant may not impact protein structure and function (internally defined REVEL score threshold <= 0.5, PMID: 27666373). To our knowledge, functional studies have not been reported for this variant. This variant has not been reported in individuals affected with RYR1-related disorders in the literature. This variant has been identified in 2/237250 chromosomes in the general population by the Genome Aggregation Database (gnomAD). The available evidence is insufficient to determine the role of this variant in disease conclusively. Therefore, this variant is classified as a Variant of Uncertain Significance.

This study involves interpretation of variants in research participants for the purpose of population health screening. Participant phenotype was not available at the time of variant classification. Additional details can be found in publication PMID: 35346344, PMCID: PMC8962531

NM_000540.3(RYR1):c.11044G>C (p.Glu3682Gln)

Gene: RYR1 (ryanodine receptor 1; plus strand). Cytogenetic location: 19q13.2.
Variant type: single nucleotide variant.
Coding change: c.11044G>C on transcript NM_000540.3 (MANE Select); coding-DNA position 11044, G replaced by C.
Protein change: p.Glu3682Gln; replaces glutamic acid 3682 with glutamine.
Molecular consequence: missense variant.
Genome position (GRCh38, 1-based): chr19:38,528,960, G>C. VCF-style: chr19-38528960-G-C. GRCh37 (hg19) VCF-style: chr19-39019600-G-C.
Other names: c.11029G>C, p.Glu3677Gln (NM_001042723.2); short protein forms E3682Q, E3677Q.
Identifiers: ClinVar variation 1388036 (VCV001388036.8), dbSNP rs1441652300, ClinGen allele CA405649937.